The following is an entry in ClinVar:

ClinVar aggregate classification (germline): Uncertain significance (1 of 4 stars; one submission).

Submission:

GeneDx
Classification: Uncertain significance. Last evaluated: 2021-05-21. Review status: criteria provided, single submitter. Criteria: GeneDx Variant Classification Process June 2021. Collection method: clinical testing. Allele origin: germline. Affected: yes.
Comment: Not observed in large population cohorts (Lek et al., 2016); Has not been previously published as pathogenic or benign to our knowledge; In-silico analysis, which includes splice predictors and evolutionary conservation, is inconclusive as to whether the variant alters gene splicing. In the absence of RNA/functional studies, the actual effect of this sequence change is unknown.

NM_000079.4(CHRNA1):c.235-8del

Gene: CHRNA1 (cholinergic receptor nicotinic alpha 1 subunit; minus strand). Cytogenetic location: 2q31.1.
Variant type: Deletion.
Coding change: c.235-8del on transcript NM_000079.4 (MANE Select); 8 bases into the intron before coding-DNA position 235, one base deleted (G; older notation c.235-8delG).
Molecular consequence: intron variant.
Genome position (GRCh38, 1-based): chr2:174,757,683, C deleted on the plus strand (G on the coding strand, the reverse complement: CHRNA1 is on the minus strand). VCF-style (leftmost placement, unchanged base first): chr2-174757682-AC-A. GRCh37 (hg19) VCF-style: chr2-175622410-AC-A.
Other names: c.310-8del (NM_001039523.3).
Identifiers: ClinVar variation 1326227 (VCV001326227.2), dbSNP rs1684010360, ClinGen allele CA1308835916.
Genomic context (GRCh38, chr2:174,757,682, plus strand): 5'-TTTCACACCGCCATAGTCATCTGGATTCCATTTTAGGTTGTAATCCACCCATTGCTAGAA[AC>A]AAAGACATACAGCTAATTAAAAAGCCAAAAACACTTTCTAAAATCTAAGGTTATCAAGAG-3'